The following is an entry in ClinVar:

NM_001277.3(CHKA):c.191C>A (p.Pro64Gln)

Gene: CHKA (choline kinase alpha; minus strand). Cytogenetic location: 11q13.2.
Variant type: single nucleotide variant.
Coding change: c.191C>A on transcript NM_001277.3 (MANE Select); coding-DNA position 191, C replaced by A.
Protein change: p.Pro64Gln; replaces proline 64 with glutamine.
Molecular consequence: missense variant. On other transcripts: 5 prime UTR variant (2), non-coding transcript variant (1).
Genome position (GRCh38, 1-based): chr11:68,120,987, G>T on the plus strand (C>A on the coding strand, the complement: CHKA is on the minus strand). VCF-style: chr11-68120987-G-T. GRCh37 (hg19) VCF-style: chr11-67888454-G-T.
Other names: c.191C>A, p.Pro64Gln (NM_001376219.1, NM_001376220.1, NM_212469.2); c.-174C>A (NM_001376221.1, NM_001376222.1); short protein forms P64Q.
Identifiers: ClinVar variation 3341486 (VCV003341486.1).

ClinVar aggregate classification (germline): Uncertain significance (1 of 4 stars; one submission).

Conditions:
Neurodevelopmental disorder with microcephaly, movement abnormalities, and seizures (NEDMIMS). Identifiers: MedGen C5774208, MONDO:0859282, OMIM 620023.

Submission:

Neuberg Centre For Genomic Medicine, NCGM
Classification: Uncertain significance for Neurodevelopmental disorder with microcephaly, movement abnormalities, and seizures. Last evaluated: 2023-05-20. Review status: criteria provided, single submitter. Criteria: ACMG Guidelines, 2015. Collection method: clinical testing. Allele origin: germline. Inheritance: Autosomal recessive inheritance. Affected: yes.
Comment: The observed missense c.191C>A(p.Pro64Gln) variant in CHKA gene has not been reported previously as a pathogenic variant nor a benign variant, to our knowledge. The p.Pro64Gln variant is absent in gnomAD Exomes. This variant has not been submitted to the ClinVar database. Computational evidences (Polyphen - Probably damaging, SIFT - Tolerated and MutationTaster - Polymorphism) predict conflicting evidence on protein structure and function for this variant. The amino acid change p.Pro64Gln in CHKA is predicted as conserved by GERP++. The amino acid Pro at position 64 is changed to a Gln changing protein sequence and it might alter its composition and physico-chemical properties. For these reasons, this variant has been classified as a Variant of Uncertain Significance (VUS).